The following is an entry in ClinVar:

NM_001267550.2(TTN):c.106030C>T (p.Leu35344Phe)

Genes: TTN-AS1 (TTN antisense RNA 1; plus strand), TTN (titin; minus strand), LOC129935182 (ATAC-STARR-seq lymphoblastoid active region 16807; plus strand). Cytogenetic location: 2q31.2.
Variant type: single nucleotide variant.
Coding change: c.106030C>T on transcript NM_001267550.2 (MANE Select); coding-DNA position 106030, C replaced by T.
Protein change: p.Leu35344Phe; replaces leucine 35344 with phenylalanine.
Molecular consequence: missense variant.
Genome position (GRCh38, 1-based): chr2:178,530,585, G>A on the plus strand (C>T on the coding strand, the complement: TTN is on the minus strand). VCF-style: chr2-178530585-G-A. GRCh37 (hg19) VCF-style: chr2-179395312-G-A.
Other names: c.101107C>T, p.Leu33703Phe (NM_001256850.1); c.78835C>T, p.Leu26279Phe (NM_003319.4); c.98326C>T, p.Leu32776Phe (NM_133378.4); c.79210C>T, p.Leu26404Phe (NM_133432.3); c.79411C>T, p.Leu26471Phe (NM_133437.4); short protein forms L33703F, L26404F, L35344F, L26279F, L26471F, L32776F.
Identifiers: ClinVar variation 4793029 (VCV004793029.1).

ClinVar aggregate classification (germline): Uncertain significance (1 of 4 stars; one submission).

Conditions:
Autosomal recessive limb-girdle muscular dystrophy type 2J (LGMDR10). Also called: MUSCULAR DYSTROPHY, LIMB-GIRDLE, AUTOSOMAL RECESSIVE 10; Limb-girdle muscular dystrophy, type 2J. Identifiers: Orphanet 140922, MedGen C1837342, MONDO:0012127, OMIM 608807.
Dilated cardiomyopathy 1G (CMD1G). Identifiers: Orphanet 154, MedGen C1858763, MONDO:0011400, OMIM 604145.

Submission:

Labcorp Genetics (formerly Invitae), Labcorp
Classification: Uncertain significance for Dilated cardiomyopathy 1G; Autosomal recessive limb-girdle muscular dystrophy type 2J. Last evaluated: 2025-06-06. Review status: criteria provided, single submitter. Criteria: Invitae Variant Classification Sherloc (09022015). Collection method: clinical testing. Allele origin: germline.
Comment: This sequence change replaces leucine, which is neutral and non-polar, with phenylalanine, which is neutral and non-polar, at codon 35344 of the TTN protein (p.Leu35344Phe). This variant is not present in population databases (gnomAD no frequency). This variant has not been reported in the literature in individuals affected with TTN-related conditions. Experimental studies and prediction algorithms are not available or were not evaluated, and the functional significance of this variant is currently unknown. This variant is located in the M band of TTN (PMID: 25589632). Non-truncating variants in this region may be relevant for neuromuscular disorders, but have not been definitively shown to cause cardiomyopathy (PMID: 23975875). In summary, the available evidence is currently insufficient to determine the role of this variant in disease. Therefore, it has been classified as a Variant of Uncertain Significance.

Literature cited by the submitters: PubMed 25589632; PubMed 23975875.